The following is an entry in ClinVar:

ClinVar aggregate classification (germline): Uncertain significance. Review status: criteria provided, multiple submitters, no conflicts (2 of 4 stars). 2 submissions from 2 submitters: Uncertain significance (2). Last evaluated 2025-09-09.

Conditions:
Inborn genetic diseases. Identifiers: MedGen C0950123, MeSH D030342.

Allele frequency attached by ClinVar (database versions not stated): gnomAD exomes below 0.00001 and 0.00001; gnomAD 0.00001; TOPMed 0.00001.

Submissions (2):

Ambry Genetics
Classification: Uncertain significance for Inborn genetic diseases. Last evaluated: 2025-09-09. Review status: criteria provided, single submitter. Criteria: Ambry Variant Classification Scheme 2023. Collection method: clinical testing. Allele origin: germline.

Labcorp Genetics (formerly Invitae), Labcorp
Classification: Uncertain significance. Last evaluated: 2021-07-26. Review status: criteria provided, single submitter. Criteria: Invitae Variant Classification Sherloc (09022015). Collection method: clinical testing. Allele origin: germline.
Comment: This variant has not been reported in the literature in individuals affected with TIMM50-related conditions. This variant is not present in population databases (ExAC no frequency). This sequence change replaces valine with methionine at codon 400 of the TIMM50 protein (p.Val400Met). The valine residue is highly conserved and there is a small physicochemical difference between valine and methionine. Algorithms developed to predict the effect of missense changes on protein structure and function are either unavailable or do not agree on the potential impact of this missense change (SIFT: "Not Available"; PolyPhen-2: "Possibly Damaging"; Align-GVGD: "Not Available"). In summary, the available evidence is currently insufficient to determine the role of this variant in disease. Therefore, it has been classified as a Variant of Uncertain Significance.

NM_001001563.5(TIMM50):c.889G>A (p.Val297Met)

Gene: TIMM50 (translocase of inner mitochondrial membrane 50; plus strand). Cytogenetic location: 19q13.2.
Variant type: single nucleotide variant.
Coding change: c.889G>A on transcript NM_001001563.5 (MANE Select); coding-DNA position 889, G replaced by A.
Protein change: p.Val297Met; replaces valine 297 with methionine.
Molecular consequence: missense variant.
Genome position (GRCh38, 1-based): chr19:39,488,574, G>A. VCF-style: chr19-39488574-G-A. GRCh37 (hg19) VCF-style: chr19-39979214-G-A.
Other names: c.1198G>A (NM_001001563.1); c.550G>A, p.Val184Met (NM_001329559.2); short protein forms V184M, V297M.
Identifiers: ClinVar variation 1498217 (VCV001498217.9), dbSNP rs1359024106, ClinGen allele CA405790203.